The following is an entry in ClinVar:

ClinVar aggregate classification (germline): Benign/Likely benign. Review status: criteria provided, multiple submitters, no conflicts (2 of 4 stars). 4 submissions from 4 submitters: Benign (2); Likely benign (1). 1 of the submissions does not count toward it. Last evaluated 2026-01-05.

Conditions:
VPS13D-related disorder. Also called: VPS13D-related condition.

Allele frequency attached by ClinVar (database versions not stated): gnomAD exomes 0.00015 and 0.00045; ExAC 0.00056; gnomAD 0.00209 and 0.00219; ESP Exome Variant Server 0.00215; TOPMed 0.00222; 1000 Genomes Project 0.00339; 1000 Genomes Project 30x 0.00359.
gnomAD v4.1: 560 of 1,613,978 alleles (0.035%); highest among the groups gnomAD compares: African/African-American, 0.61%; 2 homozygotes.

Submissions (4):

Labcorp Genetics (formerly Invitae), Labcorp
Classification: Benign. Last evaluated: 2026-01-05. Review status: criteria provided, single submitter. Criteria: Invitae Variant Classification Sherloc (09022015). Collection method: clinical testing. Allele origin: germline.

CeGaT Center for Human Genetics Tuebingen
Classification: Likely benign. Last evaluated: 2026-01-01. Review status: criteria provided, single submitter. Criteria: CeGaT Center For Human Genetics Tuebingen Variant Classification Criteria Version 2. Collection method: clinical testing. Allele origin: germline. Affected: yes. Observed: 1 variant allele.
Comment: VPS13D: BP4, BP7

Mayo Clinic Laboratories, Mayo Clinic
Classification: Benign. Last evaluated: 2024-07-26. Review status: criteria provided, single submitter. Criteria: ACMG Guidelines, 2015. Collection method: clinical testing. Allele origin: germline. Observed: 3 variant alleles.
Comment: BA1, BP4, BP7

PreventionGenetics, part of Exact Sciences
Classification: Likely benign for VPS13D-related condition. Last evaluated: 2019-07-10. Review status: no assertion criteria provided. Collection method: clinical testing. Allele origin: germline. Not counted in ClinVar's aggregate classification.
Comment: This variant is classified as likely benign based on ACMG/AMP sequence variant interpretation guidelines (Richards et al. 2015 PMID: 25741868, with internal and published modifications).

NM_015378.4(VPS13D):c.3960C>T (p.Ser1320=)

Gene: VPS13D (vacuolar protein sorting 13 homolog D; plus strand). Cytogenetic location: 1p36.22.
Variant type: single nucleotide variant.
Coding change: c.3960C>T on transcript NM_015378.4 (MANE Select); coding-DNA position 3960, C replaced by T.
Protein change: p.Ser1320=; no amino-acid change (serine 1320 retained).
Molecular consequence: synonymous variant.
Genome position (GRCh38, 1-based): chr1:12,277,548, C>T. VCF-style: chr1-12277548-C-T. GRCh37 (hg19) VCF-style: chr1-12337605-C-T.
Other names: p.Ser1320=; c.3960C>T, p.Ser1320= (NM_018156.4).
Identifiers: ClinVar variation 736735 (VCV000736735.16), dbSNP rs77854026, ClinGen allele CA602044.